The following is an entry in ClinVar:

NM_001354604.2(MITF):c.1246G>T (p.Asp416Tyr)

Gene: MITF (melanocyte inducing transcription factor; plus strand). Cytogenetic location: 3p13.
Variant type: single nucleotide variant.
Coding change: c.1246G>T on transcript NM_001354604.2 (MANE Select); coding-DNA position 1246, G replaced by T.
Protein change: p.Asp416Tyr; replaces aspartic acid 416 with tyrosine.
Molecular consequence: missense variant.
Genome position (GRCh38, 1-based): chr3:69,964,913, G>T. VCF-style: chr3-69964913-G-T. GRCh37 (hg19) VCF-style: chr3-70014064-G-T.
Other names: c.925G>T, p.Asp309Tyr (NM_000248.4); c.1072G>T, p.Asp358Tyr (NM_001184967.2, NM_001354608.2); c.1243G>T, p.Asp415Tyr (NM_001354605.2); c.1225G>T, p.Asp409Tyr (NM_001354606.2, NM_006722.3); c.1177G>T, p.Asp393Tyr (NM_001354607.2); c.907G>T, p.Asp303Tyr (NM_198158.3); c.1228G>T, p.Asp410Tyr (NM_198159.3); c.1180G>T, p.Asp394Tyr (NM_198177.3); and 1 more; short protein forms D394Y, D409Y, D415Y, D309Y, D247Y, D303Y, D358Y, D393Y.
Identifiers: ClinVar variation 3396343 (VCV003396343.3).

ClinVar aggregate classification (germline): Uncertain significance. Review status: criteria provided, multiple submitters, no conflicts (2 of 4 stars). 2 submissions from 2 submitters: Uncertain significance (2). Last evaluated 2025-10-07.

Conditions:
Hereditary cancer-predisposing syndrome. Also called: Hereditary Cancer Syndrome; Tumor predisposition; Hereditary neoplastic syndrome; Neoplastic Syndromes, Hereditary. Identifiers: Orphanet 140162, MedGen C0027672, MeSH D009386, MONDO:0015356.
Waardenburg syndrome type 2A (WS2A). Also called: WAARDENBURG SYNDROME WITHOUT DYSTOPIA CANTHORUM. Identifiers: Orphanet 3440, MedGen C1860339, MONDO:0008671, OMIM 193510.
Melanoma, cutaneous malignant, susceptibility to, 8. Also called: MELANOMA AND RENAL CELL CARCINOMA, SUSCEPTIBILITY TO; Cutaneous malignant melanoma 8. Identifiers: Orphanet 293822, MedGen C3152204, MONDO:0013759, OMIM 614456.
Tietz syndrome (TADS). Also called: ALBINISM-DEAFNESS OF TIETZ; HYPOPIGMENTATION/DEAFNESS OF TIETZ; TIETZ ALBINISM-DEAFNESS SYNDROME. Identifiers: Orphanet 42665, MedGen C0391816, MONDO:0007077, OMIM 103500.

Submissions (2):

Labcorp Genetics (formerly Invitae), Labcorp
Classification: Uncertain significance for Melanoma, cutaneous malignant, susceptibility to, 8; Waardenburg syndrome type 2A; Tietz syndrome. Last evaluated: 2025-10-07. Review status: criteria provided, single submitter. Criteria: Invitae Variant Classification Sherloc (09022015). Collection method: clinical testing. Allele origin: germline.
Comment: This sequence change replaces aspartic acid, which is acidic and polar, with tyrosine, which is neutral and polar, at codon 309 of the MITF protein (p.Asp309Tyr). This variant is not present in population databases (gnomAD no frequency). This variant has not been reported in the literature in individuals affected with MITF-related conditions. ClinVar contains an entry for this variant (Variation ID: 3396343). Invitae Evidence Modeling of protein sequence and biophysical properties (such as structural, functional, and spatial information, amino acid conservation, physicochemical variation, residue mobility, and thermodynamic stability) indicates that this missense variant is not expected to disrupt MITF protein function with a negative predictive value of 80%. In summary, the available evidence is currently insufficient to determine the role of this variant in disease. Therefore, it has been classified as a Variant of Uncertain Significance.

Ambry Genetics
Classification: Uncertain significance for Hereditary cancer-predisposing syndrome. Last evaluated: 2024-11-30. Review status: criteria provided, single submitter. Criteria: Ambry Variant Classification Scheme 2023. Collection method: clinical testing. Allele origin: germline.
Comment: The p.D309Y variant (also known as c.925G>T), located in coding exon 9 of the MITF gene, results from a G to T substitution at nucleotide position 925. The aspartic acid at codon 309 is replaced by tyrosine, an amino acid with highly dissimilar properties. This amino acid position is conserved. In addition, the in silico prediction for this alteration is inconclusive. Based on the available evidence, the clinical significance of this variant remains unclear.